The following is an entry in ClinVar:

NM_001174147.2(LMX1B):c.*932G>T

Gene: LMX1B (LIM homeobox transcription factor 1 beta; plus strand). Cytogenetic location: 9q33.3.
Variant type: single nucleotide variant.
Coding change: c.*932G>T on transcript NM_001174147.2 (MANE Select); 932 bases downstream of the stop codon, G replaced by T.
Molecular consequence: 3 prime UTR variant.
Genome position (GRCh38, 1-based): chr9:126,697,383, G>T. VCF-style: chr9-126697383-G-T. GRCh37 (hg19) VCF-style: chr9-129459662-G-T.
Other names: c.*932G>T (NM_001174146.2, NM_002316.4).
Identifiers: ClinVar variation 364915 (VCV000364915.6), dbSNP rs28687510, ClinGen allele CA10626373.
Genomic context (GRCh38, chr9:126,697,383, plus strand): 5'-CTAGAGGCAGATGGAGCCCCCAGAACCAGGTAGCATCAGACCAGACAACAGAGCCTCCAG[G>T]GGTCAGGGACTTCAGAAGCACCTGCTGGGCACCCCATCTGCAATGTGGTCCTCTCCCCAG-3'

ClinVar aggregate classification (germline): Benign. Review status: criteria provided, multiple submitters, no conflicts (2 of 4 stars). 2 submissions from 2 submitters: Benign (2). Last evaluated 2018-01-13.

Conditions:
Nail-patella syndrome (NPS). Also called: FONG DISEASE; ONYCHOOSTEODYSPLASIA; TURNER-KIESER SYNDROME. Identifiers: Orphanet 2614, MedGen C0027341, MONDO:0008061, OMIM 161200.

Allele frequency attached by ClinVar (database versions not stated): gnomAD exomes 0.08400; gnomAD 0.18378 and 0.18581; TOPMed 0.19618; 1000 Genomes Project 0.22983; 1000 Genomes Project 30x 0.23095.
gnomAD v4.1: 27,785 of 152,222 alleles (18%); highest among the groups gnomAD compares: East Asian, 35%; 3,269 homozygotes.

Submissions (2):

Illumina Laboratory Services, Illumina
Classification: Benign for Nail-patella syndrome. Last evaluated: 2018-01-13. Review status: criteria provided, single submitter. Criteria: ICSL Variant Classification Criteria 13 December 2019. Collection method: clinical testing. Allele origin: germline.
Comment: This variant was observed in the ICSL laboratory as part of a predisposition screen in an ostensibly healthy population. It had not been previously curated by ICSL or reported in the Human Gene Mutation Database (HGMD: prior to June 1st, 2018), and was therefore a candidate for classification through an automated scoring system. Utilizing variant allele frequency, disease prevalence and penetrance estimates, and inheritance mode, an automated score was calculated to assess if this variant is too frequent to cause the disease. Based on the score and internal cut-off values, a variant classified as benign is not then subjected to further curation. The score for this variant resulted in a classification of benign for this disease.

Breakthrough Genomics
Classification: Benign. Review status: criteria provided, single submitter. Criteria: ACMG Guidelines, 2015. Collection method: not provided. Allele origin: germline. Inheritance: Autosomal dominant inheritance. Affected: yes.